The following is an entry in ClinVar:

ClinVar aggregate classification (germline): Likely benign. Review status: criteria provided, multiple submitters, no conflicts (2 of 4 stars). 2 submissions from 2 submitters: Likely benign (2). Last evaluated 2025-07-14.

Conditions:
Norman-Roberts syndrome (LIS2). Also called: Lissencephaly 2 (Norman-Roberts type). Identifiers: Orphanet 89844, MedGen C0796089, MONDO:0009760, OMIM 257320.
Familial temporal lobe epilepsy 7. Identifiers: Orphanet 101046, MedGen C4225327, MONDO:0014639, OMIM 616436.

Allele frequency attached by ClinVar (database versions not stated): gnomAD 0.00001 and 0.00002; gnomAD exomes 0.00001 and 0.00002; TOPMed 0.00001.
gnomAD v4.1: 18 of 1,612,346 alleles (0.0011%); highest among the groups gnomAD compares: South Asian, 0.0044%; no homozygotes.

Submissions (2):

Labcorp Genetics (formerly Invitae), Labcorp
Classification: Likely benign for Familial temporal lobe epilepsy 7; Norman-Roberts syndrome. Last evaluated: 2025-07-14. Review status: criteria provided, single submitter. Criteria: Invitae Variant Classification Sherloc (09022015). Collection method: clinical testing. Allele origin: germline.

GeneDx
Classification: Likely benign. Last evaluated: 2016-02-04. Review status: criteria provided, single submitter. Criteria: GeneDx Variant Classification (06012015). Collection method: clinical testing. Allele origin: germline. Affected: yes.
Comment: This variant is considered likely benign or benign based on one or more of the following criteria: it is a conservative change, it occurs at a poorly conserved position in the protein, it is predicted to be benign by multiple in silico algorithms, and/or has population frequency not consistent with disease.

NM_005045.4(RELN):c.330C>T (p.Phe110=)

Gene: RELN (reelin; minus strand). Cytogenetic location: 7q22.1.
Variant type: single nucleotide variant.
Coding change: c.330C>T on transcript NM_005045.4 (MANE Select); coding-DNA position 330, C replaced by T.
Protein change: p.Phe110=; no amino-acid change (phenylalanine 110 retained).
Molecular consequence: synonymous variant.
Genome position (GRCh38, 1-based): chr7:103,917,082, G>A on the plus strand (C>T on the coding strand, the complement: RELN is on the minus strand). VCF-style: chr7-103917082-G-A. GRCh37 (hg19) VCF-style: chr7-103557529-G-A.
Other names: c.330C>T, p.Phe110= (NM_173054.3).
Identifiers: ClinVar variation 382927 (VCV000382927.8), dbSNP rs1057521487, ClinGen allele CA16605013.